The following is an entry in ClinVar:

ClinVar aggregate classification (germline): Uncertain significance. Review status: criteria provided, multiple submitters, no conflicts (2 of 4 stars). 3 submissions from 3 submitters: Uncertain significance (3). Last evaluated 2026-09-01.

Conditions:
CHARGE syndrome (CHARGE). Also called: Hittner Hirsch Kreh syndrome; Coloboma, heart anomaly, choanal atresia, retardation, genital and ear anomalies; CHARGE association; Hall-Hittner syndrome; CHARGE ASSOCIATION--COLOBOMA, HEART ANOMALY, CHOANAL ATRESIA, RETARDATION, GENITAL AND EAR ANOMALIES. Identifiers: Orphanet 138, MedGen C0265354, MONDO:0008965.
SEMA3E-related disorder. Also called: SEMA3E-related condition.

Allele frequency attached by ClinVar (database versions not stated): ExAC 0.00002; gnomAD 0.00002; gnomAD exomes 0.00002; TOPMed 0.00002.
gnomAD v4.1: 12 of 1,613,864 alleles (0.00074%); highest among the groups gnomAD compares: Admixed American, 0.015%; no homozygotes.

Submissions (3):

PreventionGenetics, part of Exact Sciences
Classification: Uncertain significance for SEMA3E-related condition. Last evaluated: 2026-09-01. Review status: criteria provided, single submitter. Criteria: ACMG Guidelines, 2015. Collection method: clinical testing. Allele origin: germline.
Comment: The SEMA3E c.1303C>G variant is predicted to result in the amino acid substitution p.Gln435Glu. To our knowledge, this variant has not been reported in the literature. This variant is reported in 0.014% of alleles in individuals of Latino descent in gnomAD, which may be too common to be a primary cause of disease. Although we suspect that this variant may be benign, at this time, the clinical significance of this variant is uncertain due to the absence of conclusive functional and genetic evidence.

Labcorp Genetics (formerly Invitae), Labcorp
Classification: Uncertain significance for CHARGE syndrome. Last evaluated: 2025-11-25. Review status: criteria provided, single submitter. Criteria: Invitae Variant Classification Sherloc (09022015). Collection method: clinical testing. Allele origin: germline.
Comment: This sequence change replaces glutamine, which is neutral and polar, with glutamic acid, which is acidic and polar, at codon 435 of the SEMA3E protein (p.Gln435Glu). This variant is present in population databases (rs752774852, gnomAD 0.01%). This variant has not been reported in the literature in individuals affected with SEMA3E-related conditions. ClinVar contains an entry for this variant (Variation ID: 529115). Invitae Evidence Modeling of protein sequence and biophysical properties (such as structural, functional, and spatial information, amino acid conservation, physicochemical variation, residue mobility, and thermodynamic stability) indicates that this missense variant is not expected to disrupt SEMA3E protein function with a negative predictive value of 80%. In summary, the available evidence is currently insufficient to determine the role of this variant in disease. Therefore, it has been classified as a Variant of Uncertain Significance.

Ambry Genetics
Classification: Uncertain significance. Last evaluated: 2025-08-11. Review status: criteria provided, single submitter. Criteria: Ambry Variant Classification Scheme 2023. Collection method: clinical testing. Allele origin: germline.

NM_012431.3(SEMA3E):c.1303C>G (p.Gln435Glu)

Gene: SEMA3E (semaphorin 3E; minus strand). Cytogenetic location: 7q21.11.
Variant type: single nucleotide variant.
Coding change: c.1303C>G on transcript NM_012431.3 (MANE Select); coding-DNA position 1303, C replaced by G.
Protein change: p.Gln435Glu; replaces glutamine 435 with glutamic acid.
Molecular consequence: missense variant.
Genome position (GRCh38, 1-based): chr7:83,400,091, G>C on the plus strand (C>G on the coding strand, the complement: SEMA3E is on the minus strand). VCF-style: chr7-83400091-G-C. GRCh37 (hg19) VCF-style: chr7-83029407-G-C.
Other names: c.1123C>G, p.Gln375Glu (NM_001178129.2); short protein forms Q435E, Q375E.
Identifiers: ClinVar variation 529115 (VCV000529115.13), dbSNP rs752774852, ClinGen allele CA4322072.